The following is an entry in ClinVar:

ClinVar aggregate classification (germline): Uncertain significance (1 of 4 stars; one submission).

Allele frequency attached by ClinVar (database versions not stated): gnomAD 0.00001; gnomAD exomes 0.00001; TOPMed 0.00001; ExAC 0.00002; ESP Exome Variant Server 0.00008.
gnomAD v4.1: 17 of 1,613,584 alleles (0.0011%); highest among the groups gnomAD compares: Middle Eastern, 0.016%; no homozygotes.

Submission:

Labcorp Genetics (formerly Invitae), Labcorp
Classification: Uncertain significance. Last evaluated: 2021-07-12. Review status: criteria provided, single submitter. Criteria: Invitae Variant Classification Sherloc (09022015). Collection method: clinical testing. Allele origin: germline.
Comment: This variant has not been reported in the literature in individuals affected with C9-related conditions. This variant is present in population databases (rs148994168, ExAC 0.01%). Algorithms developed to predict the effect of missense changes on protein structure and function output the following: SIFT: "Not Available"; PolyPhen-2: "Benign"; Align-GVGD: "Not Available". The threonine amino acid residue is found in multiple mammalian species, which suggests that this missense change does not adversely affect protein function. In summary, the available evidence is currently insufficient to determine the role of this variant in disease. Therefore, it has been classified as a Variant of Uncertain Significance. This sequence change replaces alanine with threonine at codon 81 of the C9 protein (p.Ala81Thr). The alanine residue is moderately conserved and there is a small physicochemical difference between alanine and threonine.

NM_001737.5(C9):c.241G>A (p.Ala81Thr)

Gene: C9 (complement C9; minus strand). Cytogenetic location: 5p13.1.
Variant type: single nucleotide variant.
Coding change: c.241G>A on transcript NM_001737.5 (MANE Select); coding-DNA position 241, G replaced by A.
Protein change: p.Ala81Thr; replaces alanine 81 with threonine.
Molecular consequence: missense variant.
Genome position (GRCh38, 1-based): chr5:39,341,643, C>T on the plus strand (G>A on the coding strand, the complement: C9 is on the minus strand). VCF-style: chr5-39341643-C-T. GRCh37 (hg19) VCF-style: chr5-39341745-C-T.
Other names: short protein forms A81T.
Identifiers: ClinVar variation 1402120 (VCV001402120.8), dbSNP rs148994168, ClinGen allele CA3247081.